The following is an entry in ClinVar:

ClinVar aggregate classification (germline): Pathogenic. Review status: criteria provided, multiple submitters, no conflicts (2 of 4 stars). 2 submissions from 2 submitters: Pathogenic (2). Last evaluated 2026-02-26.

Conditions:
Hereditary cancer-predisposing syndrome. Also called: Neoplastic Syndromes, Hereditary; Tumor predisposition; Hereditary Cancer Syndrome; Hereditary neoplastic syndrome. Identifiers: Orphanet 140162, MedGen C0027672, MeSH D009386, MONDO:0015356.
Ataxia-telangiectasia syndrome (AT). Also called: AT, COMPLEMENTATION GROUP C; ATAXIA-TELANGIECTASIA, COMPLEMENTATION GROUP A; ATAXIA-TELANGIECTASIA, FRESNO VARIANT; Ataxia-telangiectasia; Ataxia-telangiectasia, complementation group D; Ataxia-telangiectasia, complementation group E. Identifiers: Orphanet 100, MedGen C0004135, MONDO:0008840, OMIM 208900.

Submissions (2):

Ambry Genetics
Classification: Pathogenic for Hereditary cancer-predisposing syndrome. Last evaluated: 2026-02-26. Review status: criteria provided, single submitter. Criteria: Ambry Variant Classification Scheme 2023. Collection method: clinical testing. Allele origin: germline.
Comment: The c.318dupA pathogenic mutation, located in coding exon 3 of the ATM gene, results from a duplication of A at nucleotide position 318, causing a translational frameshift with a predicted alternate stop codon (p.C107Mfs*8). This variant is considered to be rare based on population cohorts in the Genome Aggregation Database (gnomAD). This variant is expected to result in loss of function by premature protein truncation or nonsense-mediated mRNA decay. As such, this variant is interpreted as a disease-causing mutation.

Labcorp Genetics (formerly Invitae), Labcorp
Classification: Pathogenic for Ataxia-telangiectasia syndrome. Last evaluated: 2021-04-18. Review status: criteria provided, single submitter. Criteria: Invitae Variant Classification Sherloc (09022015). Collection method: clinical testing. Allele origin: germline.
Comment: For these reasons, this variant has been classified as Pathogenic. This variant has not been reported in the literature in individuals with ATM-related conditions. This variant is not present in population databases (ExAC no frequency). This sequence change creates a premature translational stop signal (p.Cys107Metfs*8) in the ATM gene. It is expected to result in an absent or disrupted protein product. Loss-of-function variants in ATM are known to be pathogenic (PMID: 23807571, 25614872).

Literature cited by the submitters: PubMed 23807571 (cited by Labcorp Genetics (formerly Invitae), Labcorp); PubMed 25614872 (cited by Labcorp Genetics (formerly Invitae), Labcorp).

NM_000051.4(ATM):c.318dup (p.Cys107fs)

Gene: ATM (ATM serine/threonine kinase; plus strand). Cytogenetic location: 11q22.3.
Variant type: Duplication.
Coding change: c.318dup on transcript NM_000051.4 (MANE Select); coding-DNA position 318, one base duplicated (A; older notation c.318dupA).
Protein change: p.Cys107fs; shifts the reading frame from cysteine 107.
Molecular consequence: frameshift variant.
Genome position (GRCh38, 1-based): chr11:108,229,310, A duplicated; the last of 3 consecutive A bases (chr11:108,229,308-108,229,310); duplicating any one gives the same sequence. VCF-style (leftmost placement, unchanged base first): chr11-108229307-C-CA. GRCh37 (hg19) VCF-style: chr11-108100034-C-CA.
Other names: c.318dup, p.Cys107fs (NM_001351834.2, NM_001351835.2, NM_001351836.2); c.318dupA (NM_000051.3); short protein forms C107fs.
Identifiers: ClinVar variation 1420432 (VCV001420432.7), dbSNP rs1591452378, ClinGen allele CA2573146485.